The following is an entry in ClinVar:

ClinVar aggregate classification (germline): Pathogenic (1 of 4 stars; one submission).

Conditions:
Charcot-Marie-Tooth disease, type I (CMT1). Also called: Charcot-Marie-Tooth, Type 1; Charcot-Marie-Tooth disease type 1. Identifiers: Orphanet 65753, MedGen C0751036, MONDO:0019011.

Submission:

Labcorp Genetics (formerly Invitae), Labcorp
Classification: Pathogenic for Charcot-Marie-Tooth disease, type I. Last evaluated: 2025-08-11. Review status: criteria provided, single submitter. Criteria: Invitae Variant Classification Sherloc (09022015). Collection method: clinical testing. Allele origin: germline.
Comment: This variant, c.130_141del, results in the deletion of 4 amino acid(s) of the MPZ protein (p.Ser44_Thr47del), but otherwise preserves the integrity of the reading frame. This variant is not present in population databases (gnomAD no frequency). This variant has not been reported in the literature in individuals affected with MPZ-related conditions. This variant disrupts a region of the MPZ protein in which other variant(s) (p.Ser44Phe) have been determined to be pathogenic (PMID: 9595994, 21149811, 26310628, 27639257, 28286897). This suggests that this is a clinically significant region of the protein, and that variants that disrupt it are likely to be disease-causing. For these reasons, this variant has been classified as Pathogenic.

Literature cited by the submitters: PubMed 9595994; PubMed 21149811; PubMed 26310628; PubMed 27639257; PubMed 28286897.

NM_000530.8(MPZ):c.130_141del (p.Ser44_Thr47del)

Gene: MPZ (myelin protein zero; minus strand). Cytogenetic location: 1q23.3.
Variant type: Deletion.
Coding change: c.130_141del on transcript NM_000530.8 (MANE Select); coding-DNA positions 130 to 141, 12 bases deleted (TCCCGGGTGACC).
Protein change: p.Ser44_Thr47del.
Molecular consequence: inframe deletion.
Genome position (GRCh38, 1-based): chr1:161,307,351-161,307,362, GGTCACCCGGGA deleted on the plus strand (TCCCGGGTGACC on the coding strand, the reverse complement: MPZ is on the minus strand); deleting any 12 consecutive bases within chr1:161,307,351-161,307,363 gives the same sequence; the c. name uses the placement nearest the transcript's 3' end. VCF-style (leftmost placement, unchanged base first): chr1-161307350-GGGTCACCCGGGA-G. GRCh37 (hg19) VCF-style: chr1-161277140-GGGTCACCCGGGA-G.
Other names: c.130_141del, p.Ser44_Thr47del (NM_001315491.2).
Identifiers: ClinVar variation 4725194 (VCV004725194.1).